The following is an entry in ClinVar:

ClinVar aggregate classification (germline): Uncertain significance (1 of 4 stars; one submission).

Conditions:
Familial thoracic aortic aneurysm and aortic dissection (TAAD). Also called: Thoracic aortic aneurysms and dissections. Identifiers: Orphanet 91387, MedGen C4707243, MONDO:0019625.

Submission:

Labcorp Genetics (formerly Invitae), Labcorp
Classification: Uncertain significance for Familial thoracic aortic aneurysm and aortic dissection. Last evaluated: 2024-07-01. Review status: criteria provided, single submitter. Criteria: Invitae Variant Classification Sherloc (09022015). Collection method: clinical testing. Allele origin: germline.
Comment: This sequence change replaces glutamic acid, which is acidic and polar, with alanine, which is neutral and non-polar, at codon 142 of the TGFBR2 protein (p.Glu142Ala). This variant is not present in population databases (gnomAD no frequency). This variant has not been reported in the literature in individuals affected with TGFBR2-related conditions. Advanced modeling of protein sequence and biophysical properties (such as structural, functional, and spatial information, amino acid conservation, physicochemical variation, residue mobility, and thermodynamic stability) has been performed at Invitae for this missense variant, however the output from this modeling did not meet the statistical confidence thresholds required to predict the impact of this variant on TGFBR2 protein function. In summary, the available evidence is currently insufficient to determine the role of this variant in disease. Therefore, it has been classified as a Variant of Uncertain Significance.

NM_003242.6(TGFBR2):c.425A>C (p.Glu142Ala)

Gene: TGFBR2 (transforming growth factor beta receptor 2; plus strand). Cytogenetic location: 3p24.1.
Variant type: single nucleotide variant.
Coding change: c.425A>C on transcript NM_003242.6 (MANE Select); coding-DNA position 425, A replaced by C.
Protein change: p.Glu142Ala; replaces glutamic acid 142 with alanine.
Molecular consequence: missense variant. On other transcripts: intron variant (2).
Genome position (GRCh38, 1-based): chr3:30,650,431, A>C. VCF-style: chr3-30650431-A-C. GRCh37 (hg19) VCF-style: chr3-30691923-A-C.
Other names: c.500A>C, p.Glu167Ala (NM_001024847.3, NM_001407126.1, NM_001407139.1); c.425A>C, p.Glu142Ala (NM_001407127.1, NM_001407130.1); c.452A>C, p.Glu151Ala (NM_001407128.1); c.320A>C, p.Glu107Ala (NM_001407129.1, NM_001407132.1, NM_001407133.1 and 3 more transcripts); c.170-21207A>C (NM_001407137.1); c.95-21207A>C (NM_001407138.1); short protein forms E142A, E167A, E151A, E107A.
Identifiers: ClinVar variation 2858523 (VCV002858523.3), dbSNP rs2125410634, ClinGen allele CA351807066.
Genomic context (GRCh38, chr3:30,650,431, plus strand): 5'-TTATGAAGGAAAAAAAAAAGCCTGGTGAGACTTTCTTCATGTGTTCCTGTAGCTCTGATG[A>C]GTGCAATGACAACATCATCTTCTCAGAAGGTGAGTTTTCTTCTCTTAAGGGTGTGGGACC-3'
Protein context (NP_003233.4, residues 132-152): TFFMCSCSSD[Glu142Ala]CNDNIIFSEE